The following is an entry in ClinVar:

NM_001349798.2(FBXW7):c.1147G>A (p.Val383Met)

Gene: FBXW7 (F-box and WD repeat domain containing 7; minus strand). Cytogenetic location: 4q31.3.
Variant type: single nucleotide variant.
Coding change: c.1147G>A on transcript NM_001349798.2 (MANE Select); coding-DNA position 1147, G replaced by A.
Protein change: p.Val383Met; replaces valine 383 with methionine.
Molecular consequence: missense variant.
Genome position (GRCh38, 1-based): chr4:152,329,761, C>T on the plus strand (G>A on the coding strand, the complement: FBXW7 is on the minus strand). VCF-style: chr4-152329761-C-T. GRCh37 (hg19) VCF-style: chr4-153250913-C-T.
Other names: c.793G>A, p.Val265Met (NM_001013415.2); c.907G>A, p.Val303Met (NM_018315.5); c.1147G>A, p.Val383Met (NM_033632.3); short protein forms V265M, V303M, V383M.
Identifiers: ClinVar variation 3900803 (VCV003900803.2).

ClinVar aggregate classification (germline): Uncertain significance (1 of 4 stars; one submission).

Submission:

GeneDx
Classification: Uncertain significance. Last evaluated: 2026-04-08. Review status: criteria provided, single submitter. Criteria: GeneDx Variant Classification Process June 2021. Collection method: clinical testing. Allele origin: germline.
Comment: Not observed at significant frequency in large population cohorts (gnomAD); In silico analysis supports that this missense variant has a deleterious effect on protein structure/function; Has not been previously published as pathogenic or benign to our knowledge